The following is an entry in ClinVar:

ClinVar aggregate classification (germline): Uncertain significance. Review status: criteria provided, multiple submitters, no conflicts (2 of 4 stars). 3 submissions from 3 submitters: Uncertain significance (3). Last evaluated 2026-04-11.

Conditions:
Cardiovascular phenotype. Identifiers: MedGen CN230736.

Allele frequency attached by ClinVar (database versions not stated): gnomAD 0.00001; ExAC 0.00002; TOPMed 0.00002; ESP Exome Variant Server 0.00008.
gnomAD v4.1: 25 of 1,614,032 alleles (0.0015%); highest among the groups gnomAD compares: Admixed American, 0.005%; no homozygotes.

Submissions (3):

Ambry Genetics
Classification: Uncertain significance for Cardiovascular phenotype. Last evaluated: 2026-04-11. Review status: criteria provided, single submitter. Criteria: Ambry Variant Classification Scheme 2023. Collection method: clinical testing. Allele origin: germline.

Labcorp Genetics (formerly Invitae), Labcorp
Classification: Uncertain significance. Last evaluated: 2025-07-14. Review status: criteria provided, single submitter. Criteria: Invitae Variant Classification Sherloc (09022015). Collection method: clinical testing. Allele origin: germline.
Comment: This sequence change replaces arginine, which is basic and polar, with glutamine, which is neutral and polar, at codon 288 of the ALPK3 protein (p.Arg288Gln). This variant is present in population databases (rs140420563, gnomAD 0.01%). This variant has not been reported in the literature in individuals affected with ALPK3-related conditions. ClinVar contains an entry for this variant (Variation ID: 1764131). An algorithm developed to predict the effect of missense changes on protein structure and function outputs the following: PolyPhen-2: "Benign". The glutamine amino acid residue is found in multiple mammalian species, which suggests that this missense change does not adversely affect protein function. In summary, the available evidence is currently insufficient to determine the role of this variant in disease. Therefore, it has been classified as a Variant of Uncertain Significance.

GeneDx
Classification: Uncertain significance. Last evaluated: 2024-02-14. Review status: criteria provided, single submitter. Criteria: GeneDx Variant Classification Process June 2021. Collection method: clinical testing. Allele origin: germline. Affected: yes.
Comment: In silico analysis supports that this missense variant does not alter protein structure/function; Has not been previously published as pathogenic or benign to our knowledge

NM_020778.5(ALPK3):c.257G>A (p.Arg86Gln)

Gene: ALPK3 (alpha kinase 3; plus strand). Cytogenetic location: 15q25.3.
Variant type: single nucleotide variant.
Coding change: c.257G>A on transcript NM_020778.5 (MANE Select); coding-DNA position 257, G replaced by A.
Protein change: p.Arg86Gln; replaces arginine 86 with glutamine.
Molecular consequence: missense variant.
Genome position (GRCh38, 1-based): chr15:84,827,558, G>A. VCF-style: chr15-84827558-G-A. GRCh37 (hg19) VCF-style: chr15-85370789-G-A.
Other names: short protein forms R86Q.
Identifiers: ClinVar variation 1764131 (VCV001764131.9), dbSNP rs140420563, ClinGen allele CA7708907.